The following is an entry in ClinVar:

ClinVar aggregate classification (germline): Uncertain significance (1 of 4 stars; one submission).

Submission:

Labcorp Genetics (formerly Invitae), Labcorp
Classification: Uncertain significance. Last evaluated: 2023-12-02. Review status: criteria provided, single submitter. Criteria: Invitae Variant Classification Sherloc (09022015). Collection method: clinical testing. Allele origin: germline.
Comment: This sequence change replaces histidine, which is basic and polar, with serine, which is neutral and polar, at codon 487 of the KRT10 protein (p.His487Ser). The frequency data for this variant in the population databases is considered unreliable, as metrics indicate poor data quality at this position in the gnomAD database. This variant has not been reported in the literature in individuals affected with KRT10-related conditions. Experimental studies and prediction algorithms are not available or were not evaluated, and the functional significance of this variant is currently unknown. In summary, the available evidence is currently insufficient to determine the role of this variant in disease. Therefore, it has been classified as a Variant of Uncertain Significance.

NM_000421.5(KRT10):c.1459_1460delinsTC (p.His487Ser)

Gene: KRT10 (keratin 10; minus strand). Cytogenetic location: 17q21.2.
Variant type: Indel.
Coding change: c.1459_1460delinsTC on transcript NM_000421.5 (MANE Select); coding-DNA positions 1459 to 1460, CA replaced by TC.
Protein change: p.His487Ser; replaces histidine 487 with serine.
Molecular consequence: missense variant.
Genome position (GRCh38, 1-based): chr17:40,819,075-40,819,076, TG replaced by GA on the plus strand (CA replaced by TC on the coding strand, the reverse complement: KRT10 is on the minus strand). VCF-style: chr17-40819075-TG-GA. GRCh37 (hg19) VCF-style: chr17-38975327-TG-GA.
Other names: c.1459_1460delinsTC, p.His487Ser (NM_001379366.1); short protein forms H487S.
Identifiers: ClinVar variation 2897317 (VCV002897317.3), dbSNP rs2508770618, ClinGen allele CA2739267532.